The following is an entry in ClinVar:

NM_000531.6(OTC):c.617T>G (p.Met206Arg)

Gene: OTC (ornithine transcarbamylase; plus strand). Cytogenetic location: Xp11.4.
Variant type: single nucleotide variant.
Coding change: c.617T>G on transcript NM_000531.6 (MANE Select); coding-DNA position 617, T replaced by G.
Protein change: p.Met206Arg; replaces methionine 206 with arginine.
Molecular consequence: missense variant.
Genome position (GRCh38, 1-based): chrX:38,403,694, T>G. VCF-style: chrX-38403694-T-G. GRCh37 (hg19) VCF-style: chrX-38262947-T-G.
Other names: NM_000531.6(OTC):c.617T>G; short protein forms M206R.
Identifiers: ClinVar variation 11012 (VCV000011012.7), dbSNP rs72558412, ClinGen allele CA224711.
Genomic context (GRCh38, chrX:38,403,694, plus strand): 5'-TGAAAGGTCTTACCCTCAGCTGGATCGGGGATGGGAACAATATCCTGCACTCCATCATGA[T>G]GAGCGCAGCGAAATTCGGAATGCACCTTCAGGCAGCTACTCCAAAGGTAGGGAAACTTTT-3'
Protein context (NP_000522.3, residues 196-216): DGNNILHSIM[Met206Arg]SAAKFGMHLQ

ClinVar aggregate classification (germline): Pathogenic. Review status: reviewed by expert panel (3 of 4 stars). 5 submissions from 5 submitters: Pathogenic (1). 4 of the submissions do not count toward it. Last evaluated 2026-05-20.

Conditions:
Ornithine carbamoyltransferase deficiency (OTCD). Also called: Ornithine Carbamoyltransferase Deficiency Disease; ORNITHINE TRANSCARBAMYLASE DEFICIENCY; ORNITHINE TRANSCARBAMYLASE DEFICIENCY, HYPERAMMONEMIA DUE TO; OTC DEFICIENCY. Identifiers: Orphanet 664, MedGen C0268542, MONDO:0010703, OMIM 311250.

Submissions (5):

Clingen Urea Cycle Disorders Variant Curation Expert Panel, ClinGen
Classification: Pathogenic for Ornithine carbamoyltransferase deficiency. Last evaluated: 2026-05-20. Review status: reviewed by expert panel. Criteria: ClinGen UreaCycles ACMG Specifications OTC V1.0. Collection method: curation. Allele origin: germline. Inheritance: X-linked inheritance.
Comment: The NM_000531.6:c.617T>G variant in OTC is a missense variant predicted to cause substitution of methionine by arginine at amino acid 206 (p.Met206Arg). The variant was not detected in the unaffected mother of this patient by targeted testing (PM6). This variant has been reported in 1 additional proband with biochemical and clinical evidence of OTC deficiency (PS4_Supporting; PMID: 25994866). This variant is absent from gnomAD v4.1 (PM2_Supporting). Growth assay in yeast showed <50% of wild-type OTC growth activity, indicating that this variant impacts protein function (PMID: 37146589, PS3_Moderate). The computational predictor REVEL gives a score of 0.875, which is between 0.773 and 0.932, evidence that correlates with moderate impact to OTC function (PP3_Moderate). In summary, this variant meets the criteria to be classified as Pathogenic for X-linked ornithine carbamoyltransferase deficiency based on the ACMG/AMP criteria applied, as specified by the ClinGen Urea Cycle Disorders VCEP (OTC specifications version 1.0.0), 02/10/2025: PP4_Moderate, PM6, PS4_Supporting, PM2_Supporting, PS3_Moderate, PP3_Moderate.

Variantyx, Inc.
Classification: Likely pathogenic for Ornithine carbamoyltransferase deficiency. Last evaluated: 2025-03-18. Review status: criteria provided, single submitter. Criteria: Variantyx Assertion Criteria 2022. Collection method: clinical testing. Allele origin: maternal. Not counted in ClinVar's aggregate classification.
Comment: This is a nonsynonymous variant in the OTC gene (OMIM: 300461). Pathogenic variants in this gene have been associated with X-linked ornithine transcarbamylase deficiency. This variant has been reported in at least one affected individual (PMID: 10405441) (PS4_Moderate). Functional studies have shown that this variant alters OTC protein function (PMID: 37146589) (PS3_Supporting). Alternate amino acid change(s) at this position (p.Met206Lys) have been previously reported in similarly affected individuals, which suggests that this residue is biologically important (PMID: 11793483) (PM5). Multiple computational algorithms predict a deleterious effect for this variant (REVEL score: 0.875) (PP3_Moderate). This variant is absent from control populations (PM2_Supporting). The clinical symptoms reported for this individual are highly specific for X-linked ornithine transcarbamylase deficiency, which has a limited genetic etiology (PP4). Based on the current evidence, this variant is classified as likely pathogenic for X-linked ornithine transcarbamylase deficiency.

Labcorp Genetics (formerly Invitae), Labcorp
Classification: Pathogenic for Ornithine carbamoyltransferase deficiency. Last evaluated: 2023-03-19. Review status: criteria provided, single submitter. Criteria: Invitae Variant Classification Sherloc (09022015). Collection method: clinical testing. Allele origin: germline. Not counted in ClinVar's aggregate classification.
Comment: ClinVar contains an entry for this variant (Variation ID: 11012). This sequence change replaces methionine, which is neutral and non-polar, with arginine, which is basic and polar, at codon 206 of the OTC protein (p.Met206Arg). This variant is not present in population databases (gnomAD no frequency). This missense change has been observed in individual(s) with ornithine transcarbamylase (OTC) deficiency (PMID: 10405441). Advanced modeling of protein sequence and biophysical properties (such as structural, functional, and spatial information, amino acid conservation, physicochemical variation, residue mobility, and thermodynamic stability) performed at Invitae indicates that this missense variant is expected to disrupt OTC protein function. This variant disrupts the p.Met206 amino acid residue in OTC. Other variant(s) that disrupt this residue have been determined to be pathogenic (Invitae). This suggests that this residue is clinically significant, and that variants that disrupt this residue are likely to be disease-causing. For these reasons, this variant has been classified as Pathogenic.

OMIM
Classification: Pathogenic for ORNITHINE TRANSCARBAMYLASE DEFICIENCY. Last evaluated: 1999-08-27. Review status: no assertion criteria provided. Collection method: literature only. Allele origin: germline. Not counted in ClinVar's aggregate classification.

GenMed Metabolism Lab
Classification: Pathogenic. Review status: no assertion criteria provided. Collection method: not provided. Allele origin: unknown. Not counted in ClinVar's aggregate classification.
Comment: p.Met206Arg, Neonatal
ClinVar note: Converted during submission from pathogenic to Pathogenic.

Literature cited by the submitters: PubMed 10405441 (cited by Labcorp Genetics (formerly Invitae), Labcorp and OMIM).